The following is an entry in ClinVar:

NM_000053.4(ATP7B):c.4240C>T (p.Pro1414Ser)

Gene: ATP7B (ATPase copper transporting beta; minus strand). Cytogenetic location: 13q14.3.
Variant type: single nucleotide variant.
Coding change: c.4240C>T on transcript NM_000053.4 (MANE Select); coding-DNA position 4240, C replaced by T.
Protein change: p.Pro1414Ser; replaces proline 1414 with serine.
Molecular consequence: missense variant.
Genome position (GRCh38, 1-based): chr13:51,934,914, G>A on the plus strand (C>T on the coding strand, the complement: ATP7B is on the minus strand). VCF-style: chr13-51934914-G-A. GRCh37 (hg19) VCF-style: chr13-52509050-G-A.
Other names: c.3619C>T, p.Pro1207Ser (NM_001005918.3); c.3907C>T, p.Pro1303Ser (NM_001243182.2); c.4006C>T, p.Pro1336Ser (NM_001330578.2, NM_001406527.1, NM_001406528.1); c.3988C>T, p.Pro1330Ser (NM_001330579.2, NM_001406531.1, NM_001406532.1); c.4240C>T, p.Pro1414Ser (NM_001406511.1, NM_001406512.1); c.4234C>T, p.Pro1412Ser (NM_001406513.1); c.4207C>T, p.Pro1403Ser (NM_001406514.1); c.4186C>T, p.Pro1396Ser (NM_001406515.1, NM_001406516.1); and 21 more; short protein forms P1133S, P1187S, P1198S, P1207S, P1220S, P1250S, P1252S, P1265S.
Identifiers: ClinVar variation 3072244 (VCV003072244.2), dbSNP rs2547542065, ClinGen allele CA388019434.

ClinVar aggregate classification (germline): Uncertain significance. Review status: criteria provided, multiple submitters, no conflicts (2 of 4 stars). 2 submissions from 2 submitters: Uncertain significance (2). Last evaluated 2023-06-26.

Conditions:
Wilson disease (WND). Also called: Wilson's disease. Identifiers: Orphanet 905, MedGen C0019202, MONDO:0010200, OMIM 277900. Disease mechanism: loss of function.

Allele frequency attached by ClinVar (database versions not stated): gnomAD exomes below 0.00001.
gnomAD v4.1: 2 of 1,614,130 alleles (0.00012%); highest among the groups gnomAD compares: Non-Finnish European, 0.00017%; no homozygotes.

Submissions (2):

All of Us Research Program, National Institutes of Health
Classification: Uncertain significance for Wilson disease. Last evaluated: 2023-06-26. Review status: criteria provided, single submitter. Criteria: ACMG Guidelines, 2015. Collection method: clinical testing. Allele origin: germline. Inheritance: Autosomal recessive inheritance. Observed: 1 variant allele, 1 heterozygote.
Comment: This missense variant replaces proline with serine at codon 1414 of the ATP7B protein. Computational prediction suggests that this variant may not impact protein structure and function (internally defined REVEL score threshold <= 0.5, PMID: 27666373). To our knowledge, functional studies have not been reported for this variant. This variant has not been reported in individuals affected with ATP7B-related disorders in the literature. This variant has not been identified in the general population by the Genome Aggregation Database (gnomAD). The available evidence is insufficient to determine the role of this variant in disease conclusively. Therefore, this variant is classified as a Variant of Uncertain Significance.

This study involves interpretation of variants in research participants for the purpose of population health screening. Participant phenotype was not available at the time of variant classification. Additional details can be found in publication PMID: 35346344, PMCID: PMC8962531

Color Diagnostics, LLC DBA Color Health
Classification: Uncertain significance for Wilson disease. Last evaluated: 2023-06-20. Review status: criteria provided, single submitter. Criteria: ACMG Guidelines, 2015. Collection method: clinical testing. Allele origin: germline.
Comment: This missense variant replaces proline with serine at codon 1414 of the ATP7B protein. Computational prediction suggests that this variant may not impact protein structure and function. To our knowledge, functional studies have not been reported for this variant. This variant has not been reported in individuals affected with ATP7B-related disorders in the literature. This variant has not been identified in the general population by the Genome Aggregation Database (gnomAD). The available evidence is insufficient to determine the role of this variant in disease conclusively. Therefore, this variant is classified as a Variant of Uncertain Significance.